The following is an entry in ClinVar:

NM_001386140.1(MTTP):c.1654C>G (p.Pro552Ala)

Gene: MTTP (microsomal triglyceride transfer protein; plus strand). Cytogenetic location: 4q23.
Variant type: single nucleotide variant.
Coding change: c.1654C>G on transcript NM_001386140.1 (MANE Select); coding-DNA position 1654, C replaced by G.
Protein change: p.Pro552Ala; replaces proline 552 with alanine.
Molecular consequence: missense variant.
Genome position (GRCh38, 1-based): chr4:99,608,862, C>G. VCF-style: chr4-99608862-C-G. GRCh37 (hg19) VCF-style: chr4-100530019-C-G.
Other names: c.1654C>G, p.Pro552Ala (NM_000253.4); c.1405C>G, p.Pro469Ala (NM_001300785.2); short protein forms P469A, P552A.
Identifiers: ClinVar variation 2051300 (VCV002051300.2), dbSNP rs2476141469, ClinGen allele CA357512733.

ClinVar aggregate classification (germline): Uncertain significance (1 of 4 stars; one submission).

Allele frequency attached by ClinVar (database versions not stated): gnomAD exomes below 0.00001.
gnomAD v4.1: 6 of 1,614,064 alleles (0.00037%); highest among the groups gnomAD compares: Non-Finnish European, 0.00051%; no homozygotes.

Submission:

Labcorp Genetics (formerly Invitae), Labcorp
Classification: Uncertain significance. Last evaluated: 2022-10-25. Review status: criteria provided, single submitter. Criteria: Invitae Variant Classification Sherloc (09022015). Collection method: clinical testing. Allele origin: germline.
Comment: In summary, the available evidence is currently insufficient to determine the role of this variant in disease. Therefore, it has been classified as a Variant of Uncertain Significance. Advanced modeling of protein sequence and biophysical properties (such as structural, functional, and spatial information, amino acid conservation, physicochemical variation, residue mobility, and thermodynamic stability) performed at Invitae indicates that this missense variant is expected to disrupt MTTP protein function. This variant has not been reported in the literature in individuals affected with MTTP-related conditions. This variant is not present in population databases (gnomAD no frequency). This sequence change replaces proline, which is neutral and non-polar, with alanine, which is neutral and non-polar, at codon 552 of the MTTP protein (p.Pro552Ala).